The following is an entry in ClinVar:

ClinVar aggregate classification (germline): Uncertain significance (1 of 4 stars; one submission).

Conditions:
Malignant hyperthermia, susceptibility to, 1 (MHS1). Also called: Anesthesia related hyperthermia; Malignant hyperpyrexia; Fulminating hyperpyrexia; Pharmacogenic myopathy; Malignant hyperthermia suceptibility 1; RYR1-Related Malignant Hyperthermia Susceptibility. Identifiers: Orphanet 423, MedGen C2930980, MONDO:0007783, OMIM 145600.

Submission:

All of Us Research Program, National Institutes of Health
Classification: Uncertain significance for Malignant hyperthermia, susceptibility to, 1. Last evaluated: 2024-06-09. Review status: criteria provided, single submitter. Criteria: ACMG Guidelines, 2015. Collection method: clinical testing. Allele origin: germline. Inheritance: Autosomal dominant inheritance. Observed: 1 variant allele, 1 heterozygote.
Comment: This variant causes an insertion of one nucleotide at the +6 position in intron 48 of the RYR1 gene. To our knowledge, functional studies have not been reported for this variant. This variant has not been reported in individuals affected with RYR1-related disorders in the literature. This variant has not been identified in the general population by the Genome Aggregation Database (gnomAD). The available evidence is insufficient to determine the role of this variant in disease conclusively. Therefore, this variant is classified as a Variant of Uncertain Significance.

This study involves interpretation of variants in research participants for the purpose of population health screening. Participant phenotype was not available at the time of variant classification. Additional details can be found in publication PMID: 35346344, PMCID: PMC8962531

NM_000540.3(RYR1):c.7835+6dup

Gene: RYR1 (ryanodine receptor 1; plus strand). Cytogenetic location: 19q13.2.
Variant type: Duplication.
Coding change: c.7835+6dup on transcript NM_000540.3 (MANE Select); 6 bases into the intron after coding-DNA position 7835, one base duplicated (G; older notation c.7835+6dupG).
Molecular consequence: intron variant.
Genome position (GRCh38, 1-based): chr19:38,502,733, G duplicated. VCF-style (leftmost placement, unchanged base first): chr19-38502732-A-AG. GRCh37 (hg19) VCF-style: chr19-38993372-A-AG.
Other names: c.7835+6dup (NM_001042723.2).
Identifiers: ClinVar variation 3385456 (VCV003385456.1).